The following is an entry in ClinVar:

ClinVar aggregate classification (germline): Uncertain significance. Review status: criteria provided, multiple submitters, no conflicts (2 of 4 stars). 2 submissions from 2 submitters: Uncertain significance (2). Last evaluated 2024-04-15.

Conditions:
Hereditary nonpolyposis colorectal neoplasms. Identifiers: MedGen C0009405, MeSH D003123.
Hereditary cancer-predisposing syndrome. Also called: Neoplastic Syndromes, Hereditary; Hereditary Cancer Syndrome; Tumor predisposition; Hereditary neoplastic syndrome. Identifiers: Orphanet 140162, MedGen C0027672, MeSH D009386, MONDO:0015356.

gnomAD v4.1: 2 of 1,613,960 alleles (0.00012%); highest among the groups gnomAD compares: East Asian, 0.0022%; no homozygotes.

Submissions (2):

Labcorp Genetics (formerly Invitae), Labcorp
Classification: Uncertain significance for Hereditary nonpolyposis colorectal neoplasms. Last evaluated: 2024-04-15. Review status: criteria provided, single submitter. Criteria: Invitae Variant Classification Sherloc (09022015). Collection method: clinical testing. Allele origin: germline.
Comment: This sequence change replaces leucine, which is neutral and non-polar, with valine, which is neutral and non-polar, at codon 1286 of the MSH6 protein (p.Leu1286Val). This variant is not present in population databases (gnomAD no frequency). This variant has not been reported in the literature in individuals affected with MSH6-related conditions. ClinVar contains an entry for this variant (Variation ID: 1037723). Advanced modeling of protein sequence and biophysical properties (such as structural, functional, and spatial information, amino acid conservation, physicochemical variation, residue mobility, and thermodynamic stability) has been performed at Invitae for this missense variant, however the output from this modeling did not meet the statistical confidence thresholds required to predict the impact of this variant on MSH6 protein function. In summary, the available evidence is currently insufficient to determine the role of this variant in disease. Therefore, it has been classified as a Variant of Uncertain Significance.

Ambry Genetics
Classification: Uncertain significance for Hereditary cancer-predisposing syndrome. Last evaluated: 2022-09-23. Review status: criteria provided, single submitter. Criteria: Ambry Variant Classification Scheme 2023. Collection method: clinical testing. Allele origin: germline.
Comment: The p.L1286V variant (also known as c.3856C>G), located in coding exon 9 of the MSH6 gene, results from a C to G substitution at nucleotide position 3856. The leucine at codon 1286 is replaced by valine, an amino acid with highly similar properties. This amino acid position is highly conserved in available vertebrate species. In addition, this alteration is predicted to be deleterious by in silico analysis. Since supporting evidence is limited at this time, the clinical significance of this alteration remains unclear.

NM_000179.3(MSH6):c.3856C>G (p.Leu1286Val)

Gene: MSH6 (mutS homolog 6; plus strand). Cytogenetic location: 2p16.3.
Variant type: single nucleotide variant.
Coding change: c.3856C>G on transcript NM_000179.3 (MANE Select); coding-DNA position 3856, C replaced by G.
Protein change: p.Leu1286Val; replaces leucine 1286 with valine.
Molecular consequence: missense variant.
Genome position (GRCh38, 1-based): chr2:47,806,506, C>G. VCF-style: chr2-47806506-C-G. GRCh37 (hg19) VCF-style: chr2-48033645-C-G.
Other names: c.3466C>G, p.Leu1156Val (NM_001281492.2); c.2950C>G, p.Leu984Val (NM_001281493.2, NM_001281494.2); short protein forms L1286V, L984V, L1156V.
Identifiers: ClinVar variation 1037723 (VCV001037723.11), dbSNP rs1060502887, ClinGen allele CA346761322.